The following is an entry in ClinVar:

ClinVar aggregate classification (germline): Conflicting classifications of pathogenicity. Review status: criteria provided, conflicting classifications (1 of 4 stars). 2 submissions from 2 submitters: Uncertain significance (1); Likely benign (1). Last evaluated 2023-03-23.

Conditions:
Hereditary cancer-predisposing syndrome. Also called: Hereditary neoplastic syndrome; Neoplastic Syndromes, Hereditary; Tumor predisposition; Hereditary Cancer Syndrome. Identifiers: Orphanet 140162, MedGen C0027672, MeSH D009386, MONDO:0015356.
Hereditary breast ovarian cancer syndrome. Also called: Hereditary breast and ovarian cancer syndrome (HBOC); BRCA1- and BRCA2-Associated Hereditary Breast and Ovarian Cancer; Hereditary breast and ovarian cancer syndrome; Breast and ovarian cancer; Hereditary breast and ovarian cancer; Hereditary breast and/or ovarian cancer syndrome. Identifiers: Orphanet 145, MedGen C0677776, MeSH D061325, MONDO:0003582. Disease mechanism: loss of function.

Submissions (2):

University of Washington Department of Laboratory Medicine, University of Washington
Classification: Likely benign for Hereditary cancer-predisposing syndrome. Last evaluated: 2023-03-23. Review status: criteria provided, single submitter. Criteria: Dines et al. (Genet Med. 2020). Collection method: curation. Allele origin: germline.
Comment: Missense variant in a coldspot region where missense variants are very unlikely to be pathogenic (PMID:31911673).

BRCA2 exon 11 coldspot. Reclassification based on statistical prior probability.

Labcorp Genetics (formerly Invitae), Labcorp
Classification: Uncertain significance for Hereditary breast ovarian cancer syndrome. Last evaluated: 2020-02-18. Review status: criteria provided, single submitter. Criteria: Invitae Variant Classification Sherloc (09022015). Collection method: clinical testing. Allele origin: germline.
Comment: This sequence change replaces lysine with asparagine at codon 1515 of the BRCA2 protein (p.Lys1515Asn). The lysine residue is moderately conserved and there is a moderate physicochemical difference between lysine and asparagine. This variant is not present in population databases (ExAC no frequency). This variant has not been reported in the literature in individuals with BRCA2-related disease. Algorithms developed to predict the effect of missense changes on protein structure and function output the following: SIFT: "Tolerated"; PolyPhen-2: "Benign"; Align-GVGD: "Class C0". The asparagine amino acid residue is found in multiple mammalian species, suggesting that this missense change does not adversely affect protein function. These predictions have not been confirmed by published functional studies and their clinical significance is uncertain. In summary, the available evidence is currently insufficient to determine the role of this variant in disease. Therefore, it has been classified as a Variant of Uncertain Significance.

NM_000059.4(BRCA2):c.4545G>T (p.Lys1515Asn)

Gene: BRCA2 (BRCA2 DNA repair associated; plus strand). Cytogenetic location: 13q13.1.
Variant type: single nucleotide variant.
Coding change: c.4545G>T on transcript NM_000059.4 (MANE Select); coding-DNA position 4545, G replaced by T.
Protein change: p.Lys1515Asn; replaces lysine 1515 with asparagine.
Molecular consequence: missense variant.
Genome position (GRCh38, 1-based): chr13:32,338,900, G>T. VCF-style: chr13-32338900-G-T. GRCh37 (hg19) VCF-style: chr13-32913037-G-T.
Other names: short protein forms K1515N.
Identifiers: ClinVar variation 531336 (VCV000531336.10), dbSNP rs1555283835, ClinGen allele CA387781765.